The following is an entry in ClinVar:

ClinVar aggregate classification (germline): Uncertain significance. Review status: criteria provided, single submitter (1 of 4 stars). 2 submissions from 2 submitters: Uncertain significance (1). 1 of the submissions does not count toward it. Last evaluated 2022-11-10.

Conditions:
RASopathy. Also called: Noonan spectrum disorder; rasopathies. Identifiers: Orphanet 536391, MedGen C5555857, MONDO:0021060.
Noonan syndrome (NS). Also called: Noonan's syndrome. Identifiers: Orphanet 648, MedGen C0028326, MeSH D009634, MONDO:0018997. Disease mechanism: gain of function.

Submissions (2):

Labcorp Genetics (formerly Invitae), Labcorp
Classification: Uncertain significance for RASopathy. Last evaluated: 2022-11-10. Review status: criteria provided, single submitter. Criteria: Invitae Variant Classification Sherloc (09022015). Collection method: clinical testing. Allele origin: germline.
Comment: ClinVar contains an entry for this variant (Variation ID: 981567). Algorithms developed to predict the effect of missense changes on protein structure and function (SIFT, PolyPhen-2, Align-GVGD) all suggest that this variant is likely to be tolerated. In summary, the available evidence is currently insufficient to determine the role of this variant in disease. Therefore, it has been classified as a Variant of Uncertain Significance. This variant has not been reported in the literature in individuals affected with SOS1-related conditions. This variant is not present in population databases (gnomAD no frequency). This sequence change replaces asparagine, which is neutral and polar, with lysine, which is basic and polar, at codon 474 of the SOS1 protein (p.Asn474Lys).

Service de Génétique Moléculaire, Hôpital Robert Debré
Classification: Uncertain significance for Noonan syndrome. Review status: no assertion criteria provided. Collection method: clinical testing. Allele origin: unknown. Affected: yes. Not counted in ClinVar's aggregate classification.

NM_005633.4(SOS1):c.1422T>A (p.Asn474Lys)

Gene: SOS1 (SOS Ras/Rac guanine nucleotide exchange factor 1; minus strand). Cytogenetic location: 2p22.1.
Variant type: single nucleotide variant.
Coding change: c.1422T>A on transcript NM_005633.4 (MANE Select); coding-DNA position 1422, T replaced by A.
Protein change: p.Asn474Lys; replaces asparagine 474 with lysine.
Molecular consequence: missense variant.
Genome position (GRCh38, 1-based): chr2:39,023,006, A>T on the plus strand (T>A on the coding strand, the complement: SOS1 is on the minus strand). VCF-style: chr2-39023006-A-T. GRCh37 (hg19) VCF-style: chr2-39250147-A-T.
Other names: c.1401T>A, p.Asn467Lys (NM_001382394.1); c.1422T>A, p.Asn474Lys (NM_001382395.1); short protein forms N467K, N474K.
Identifiers: ClinVar variation 981567 (VCV000981567.4), dbSNP rs2529037277, ClinGen allele CA346366205.